The following is an entry in ClinVar:

ClinVar aggregate classification (germline): Uncertain significance (1 of 4 stars; one submission).

Conditions:
Dilated cardiomyopathy 1DD (CMD1DD). Identifiers: Orphanet 154, MedGen C2750995, MONDO:0013168, OMIM 613172.

Submission:

Labcorp Genetics (formerly Invitae), Labcorp
Classification: Uncertain significance for Dilated cardiomyopathy 1DD. Last evaluated: 2020-08-05. Review status: criteria provided, single submitter. Criteria: Invitae Variant Classification Sherloc (09022015). Collection method: clinical testing. Allele origin: germline.
Comment: This sequence change replaces lysine with threonine at codon 765 of the RBM20 protein (p.Lys765Thr). The lysine residue is highly conserved and there is a moderate physicochemical difference between lysine and threonine. This variant is not present in population databases (ExAC no frequency). In summary, the available evidence is currently insufficient to determine the role of this variant in disease. Therefore, it has been classified as a Variant of Uncertain Significance. Advanced modeling of protein sequence and biophysical properties (such as structural, functional, and spatial information, amino acid conservation, physicochemical variation, residue mobility, and thermodynamic stability) performed at Invitae indicates that this missense variant is not expected to disrupt RBM20 protein function. This variant has not been reported in the literature in individuals with RBM20-related conditions.

NM_001134363.3(RBM20):c.2294A>C (p.Lys765Thr)

Gene: RBM20 (RNA binding motif protein 20; plus strand). Cytogenetic location: 10q25.2.
Variant type: single nucleotide variant.
Coding change: c.2294A>C on transcript NM_001134363.3 (MANE Select); coding-DNA position 2294, A replaced by C.
Protein change: p.Lys765Thr; replaces lysine 765 with threonine.
Molecular consequence: missense variant.
Genome position (GRCh38, 1-based): chr10:110,812,691, A>C. VCF-style: chr10-110812691-A-C. GRCh37 (hg19) VCF-style: chr10-112572449-A-C.
Other names: short protein forms K765T.
Identifiers: ClinVar variation 1051817 (VCV001051817.9), dbSNP rs1395161859, ClinGen allele CA378373229.